The following is an entry in ClinVar:

NM_004415.4(DSP):c.2437A>G (p.Lys813Glu)

Gene: DSP (desmoplakin; plus strand). Cytogenetic location: 6p24.3.
Variant type: single nucleotide variant.
Coding change: c.2437A>G on transcript NM_004415.4 (MANE Select); coding-DNA position 2437, A replaced by G.
Protein change: p.Lys813Glu; replaces lysine 813 with glutamic acid.
Molecular consequence: missense variant.
Genome position (GRCh38, 1-based): chr6:7,575,295, A>G. VCF-style: chr6-7575295-A-G. GRCh37 (hg19) VCF-style: chr6-7575528-A-G.
Other names: c.2437A>G (LRG_423t1); c.2437A>G, p.Lys813Glu (NM_001008844.3, NM_001319034.2); short protein forms K813E.
Identifiers: ClinVar variation 643791 (VCV000643791.8), dbSNP rs1395903631, ClinGen allele CA362681329.

ClinVar aggregate classification (germline): Uncertain significance. Review status: criteria provided, multiple submitters, no conflicts (2 of 4 stars). 4 submissions from 4 submitters: Uncertain significance (4). Last evaluated 2024-08-13.

Conditions:
Arrhythmogenic cardiomyopathy with wooly hair and keratoderma. Also called: Dilated cardiomyopathy with woolly hair and keratoderma; Arrhythmogenic cardiomyopathy with woolly hair and keratoderma; PALMOPLANTAR KERATODERMA WITH LEFT VENTRICULAR CARDIOMYOPATHY AND WOOLLY HAIR; Carvajal syndrome. Identifiers: Orphanet 65282, MedGen C1854063, MONDO:0011581, OMIM 605676.
Cardiovascular phenotype. Identifiers: MedGen CN230736.
Arrhythmogenic right ventricular dysplasia 8 (ARVD8). Also called: ARRHYTHMOGENIC RIGHT VENTRICULAR DYSPLASIA, FAMILIAL, 8; ARRHYTHMOGENIC RIGHT VENTRICULAR CARDIOMYOPATHY 8; Arrhythmogenic Right Ventricular Dysplasia/Cardiomyopathy 8. Identifiers: MedGen C1843896, MONDO:0011831, OMIM 607450.

gnomAD v4.1: 1 of 1,613,806 alleles (0.000062%); no homozygotes.

Submissions (4):

All of Us Research Program, National Institutes of Health
Classification: Uncertain significance for Arrhythmogenic cardiomyopathy with wooly hair and keratoderma. Last evaluated: 2024-08-13. Review status: criteria provided, single submitter. Criteria: ACMG Guidelines, 2015. Collection method: clinical testing. Allele origin: germline. Inheritance: Autosomal dominant inheritance. Observed: 1 variant allele, 1 heterozygote.
Comment: This missense variant replaces lysine with glutamic acid at codon 813 of the DSP protein. Computational prediction suggests that this variant may not impact protein structure and function (internally defined REVEL score threshold <= 0.5, PMID: 27666373). To our knowledge, functional studies have not been reported for this variant. This variant has not been reported in individuals affected with DSP-related disorders in the literature. This variant has not been identified in the general population by the Genome Aggregation Database (gnomAD). The available evidence is insufficient to determine the role of this variant in disease conclusively. Therefore, this variant is classified as a Variant of Uncertain Significance.

This study involves interpretation of variants in research participants for the purpose of population health screening. Participant phenotype was not available at the time of variant classification. Additional details can be found in publication PMID: 35346344, PMCID: PMC8962531

Ambry Genetics
Classification: Uncertain significance for Cardiovascular phenotype. Last evaluated: 2023-12-20. Review status: criteria provided, single submitter. Criteria: Ambry Variant Classification Scheme 2023. Collection method: clinical testing. Allele origin: germline.
Comment: The p.K813E variant (also known as c.2437A>G) is located in coding exon 18 of the DSP gene. The lysine at codon 813 is replaced by glutamic acid, an amino acid with similar properties. This change occurs in the first base pair of coding exon 18. This amino acid position is conserved. In addition, the in silico prediction for this alteration is inconclusive. Since supporting evidence is limited at this time, the clinical significance of this alteration remains unclear.

GeneDx
Classification: Uncertain significance. Last evaluated: 2022-08-24. Review status: criteria provided, single submitter. Criteria: GeneDx Variant Classification Process June 2021. Collection method: clinical testing. Allele origin: germline. Affected: yes.
Comment: Has not been previously published as pathogenic or benign to our knowledge; Not observed at significant frequency in large population cohorts (gnomAD); In silico analysis supports that this missense variant does not alter protein structure/function

Labcorp Genetics (formerly Invitae), Labcorp
Classification: Uncertain significance for Arrhythmogenic cardiomyopathy with wooly hair and keratoderma; Arrhythmogenic right ventricular dysplasia 8. Last evaluated: 2022-04-20. Review status: criteria provided, single submitter. Criteria: Invitae Variant Classification Sherloc (09022015). Collection method: clinical testing. Allele origin: germline.
Comment: This sequence change replaces lysine, which is basic and polar, with glutamic acid, which is acidic and polar, at codon 813 of the DSP protein (p.Lys813Glu). This variant is not present in population databases (gnomAD no frequency). This variant has not been reported in the literature in individuals affected with DSP-related conditions. ClinVar contains an entry for this variant (Variation ID: 643791). Algorithms developed to predict the effect of missense changes on protein structure and function are either unavailable or do not agree on the potential impact of this missense change (SIFT: "Tolerated"; PolyPhen-2: "Probably Damaging"; Align-GVGD: "Class C0"). Algorithms developed to predict the effect of sequence changes on RNA splicing suggest that this variant is not likely to affect RNA splicing. In summary, the available evidence is currently insufficient to determine the role of this variant in disease. Therefore, it has been classified as a Variant of Uncertain Significance.